The following is an entry in ClinVar:

ClinVar aggregate classification (germline): Uncertain significance. Review status: criteria provided, multiple submitters, no conflicts (2 of 4 stars). 4 submissions from 4 submitters: Uncertain significance (4). Last evaluated 2025-07-17.

Conditions:
Inborn genetic diseases. Identifiers: MedGen C0950123, MeSH D030342.
Aicardi-Goutieres syndrome 7 (AGS7). Identifiers: Orphanet 51, MedGen C3888244, MONDO:0014367, OMIM 615846.
Singleton-Merten syndrome 1 (SGMRT1). Also called: Widened medullary cavities of bone, aortic calcification, abnormal dentition, and muscular weakness; Syndrome of widened medullary cavities of the metacarpals and phalanges, aortic calcification and abnormal dentition. Identifiers: Orphanet 85191, MedGen C4225427, MONDO:0024535, OMIM 182250.

Allele frequency attached by ClinVar (database versions not stated): TOPMed 0.00001.
gnomAD v4.1: 20 of 1,611,488 alleles (0.0012%); highest among the groups gnomAD compares: Admixed American, 0.0017%; no homozygotes.

Submissions (4):

GeneDx
Classification: Uncertain significance. Last evaluated: 2025-07-17. Review status: criteria provided, single submitter. Criteria: GeneDx Variant Classification Process June 2021. Collection method: clinical testing. Allele origin: germline. Affected: yes.
Comment: Not observed at significant frequency in large population cohorts (gnomAD); In silico analysis supports that this missense variant has a deleterious effect on protein structure/function; Has not been previously published as pathogenic or benign to our knowledge

Labcorp Genetics (formerly Invitae), Labcorp
Classification: Uncertain significance for Aicardi-Goutieres syndrome 7; Singleton-Merten syndrome 1. Last evaluated: 2024-02-17. Review status: criteria provided, single submitter. Criteria: Invitae Variant Classification Sherloc (09022015). Collection method: clinical testing. Allele origin: germline.
Comment: This sequence change replaces isoleucine, which is neutral and non-polar, with threonine, which is neutral and polar, at codon 920 of the IFIH1 protein (p.Ile920Thr). This variant is not present in population databases (gnomAD no frequency). This variant has not been reported in the literature in individuals affected with IFIH1-related conditions. ClinVar contains an entry for this variant (Variation ID: 973334). Advanced modeling performed at Invitae incorporating data from internal and/or published experimental studies (Invitae) indicates that this missense variant is not expected to disrupt IFIH1 function with a negative predictive value of 95%. In summary, the available evidence is currently insufficient to determine the role of this variant in disease. Therefore, it has been classified as a Variant of Uncertain Significance.

Ambry Genetics
Classification: Uncertain significance for Inborn genetic diseases. Last evaluated: 2023-12-16. Review status: criteria provided, single submitter. Criteria: Ambry Variant Classification Scheme 2023. Collection method: clinical testing. Allele origin: germline.

UNC Molecular Genetics  Laboratory, University of North Carolina at Chapel Hill
Classification: Uncertain significance for Aicardi-Goutieres syndrome 7. Review status: criteria provided, single submitter. Criteria: ACMG Guidelines, 2015. Collection method: research. Allele origin: germline. Observed: 1 variant allele. Study: CSER_NCGENES_2.
Comment: The IFIH1 c.2759T>C missense variant changes a single, evolutionarily well-conserved amino acid in the protein coding region from an isoleucine to a threonine. This variant has not been reported in control population databases or patient databases.

NM_022168.4(IFIH1):c.2759T>C (p.Ile920Thr)

Gene: IFIH1 (interferon induced with helicase C domain 1; minus strand). Cytogenetic location: 2q24.2.
Variant type: single nucleotide variant.
Coding change: c.2759T>C on transcript NM_022168.4 (MANE Select); coding-DNA position 2759, T replaced by C.
Protein change: p.Ile920Thr; replaces isoleucine 920 with threonine.
Molecular consequence: missense variant.
Genome position (GRCh38, 1-based): chr2:162,268,135, A>G on the plus strand (T>C on the coding strand, the complement: IFIH1 is on the minus strand). VCF-style: chr2-162268135-A-G. GRCh37 (hg19) VCF-style: chr2-163124645-A-G.
Other names: c.2759T>C (NM_022168.3, NM_022168.2); short protein forms I920T.
Identifiers: ClinVar variation 973334 (VCV000973334.9), dbSNP rs748895438, ClinGen allele CA348990791.
Genomic context (GRCh38, chr2:162,268,135, plus strand): 5'-TTCTGGACTCACTTGAATTCTGGGGTCATATTGACGTGATGCATTTTCTCAATTACATGG[A>G]TATCTTCCCCAGAACAGGCTAGCACACTGCAGTTTTTGCAAAGGAAAGTTATTAGTGATG-3'
Protein context (NP_071451.2, residues 910-930): CSVLACSGED[Ile920Thr]HVIEKMHHVN